The following is an entry in ClinVar:

ClinVar aggregate classification (germline): Uncertain significance (1 of 4 stars; one submission).

Submission:

Labcorp Genetics (formerly Invitae), Labcorp
Classification: Uncertain significance. Last evaluated: 2019-09-10. Review status: criteria provided, single submitter. Criteria: Invitae Variant Classification Sherloc (09022015). Collection method: clinical testing. Allele origin: germline.
Comment: This sequence change replaces glutamic acid with valine at codon 601 of the CHD8 protein (p.Glu601Val). The glutamic acid residue is moderately conserved and there is a moderate physicochemical difference between glutamic acid and valine. This variant is not present in population databases (ExAC no frequency). In summary, the available evidence is currently insufficient to determine the role of this variant in disease. Therefore, it has been classified as a Variant of Uncertain Significance. Algorithms developed to predict the effect of missense changes on protein structure and function (SIFT, PolyPhen-2, Align-GVGD) all suggest that this variant is likely to be tolerated, but these predictions have not been confirmed by published functional studies and their clinical significance is uncertain. This variant has not been reported in the literature in individuals with CHD8-related conditions.

NM_001170629.2(CHD8):c.1802A>T (p.Glu601Val)

Gene: CHD8 (chromodomain helicase DNA binding protein 8; minus strand). Cytogenetic location: 14q11.2.
Variant type: single nucleotide variant.
Coding change: c.1802A>T on transcript NM_001170629.2 (MANE Select); coding-DNA position 1802, A replaced by T.
Protein change: p.Glu601Val; replaces glutamic acid 601 with valine.
Molecular consequence: missense variant.
Genome position (GRCh38, 1-based): chr14:21,415,822, T>A on the plus strand (A>T on the coding strand, the complement: CHD8 is on the minus strand). VCF-style: chr14-21415822-T-A. GRCh37 (hg19) VCF-style: chr14-21883981-T-A.
Other names: c.965A>T, p.Glu322Val (NM_020920.4); short protein forms E322V, E601V.
Identifiers: ClinVar variation 960600 (VCV000960600.9), dbSNP rs1888697677, ClinGen allele CA388879771.